The following is an entry in ClinVar:

ClinVar aggregate classification (germline): Uncertain significance (1 of 4 stars; one submission).

Submission:

GeneDx
Classification: Uncertain significance. Last evaluated: 2019-09-30. Review status: criteria provided, single submitter. Criteria: GeneDx Variant Classification Process June 2021. Collection method: clinical testing. Allele origin: germline. Affected: yes.
Comment: Not observed in large population cohorts (Lek et al., 2016); In silico analysis, which includes protein predictors and evolutionary conservation, supports a deleterious effect; Has not been previously published as pathogenic or benign to our knowledge

NM_003054.6(SLC18A2):c.482C>G (p.Pro161Arg)

Gene: SLC18A2 (solute carrier family 18 member A2; plus strand). Cytogenetic location: 10q25.3.
Variant type: single nucleotide variant.
Coding change: c.482C>G on transcript NM_003054.6 (MANE Select); coding-DNA position 482, C replaced by G.
Protein change: p.Pro161Arg; replaces proline 161 with arginine.
Molecular consequence: missense variant.
Genome position (GRCh38, 1-based): chr10:117,253,416, C>G. VCF-style: chr10-117253416-C-G. GRCh37 (hg19) VCF-style: chr10-119012927-C-G.
Other names: short protein forms P161R.
Identifiers: ClinVar variation 1308777 (VCV001308777.2), dbSNP rs974706641, ClinGen allele CA378511530.
Genomic context (GRCh38, chr10:117,253,416, plus strand): 5'-TAGCCTGCAGTCACCAGATTTGTCTGATGTTTGTGTTTTGCAGAATTGGCTATCCAATTC[C>G]CATATTTGCGGGATTCTGCATCATGTTTGTCTCAACAATTAGTAAGTGTGTGGTGTTTTC-3'
Protein context (NP_003045.2, residues 151-171): LLTNRIGYPI[Pro161Arg]IFAGFCIMFV